The following is an entry in ClinVar:

ClinVar aggregate classification (germline): Pathogenic. Review status: criteria provided, multiple submitters, no conflicts (2 of 4 stars). 14 submissions from 14 submitters: Pathogenic (11). 3 of the submissions do not count toward it. Last evaluated 2026-08-04.

Conditions:
PKHD1-related disorder. Also called: PKHD1-related condition.
Polycystic kidney disease 4 (PKD4). Also called: Autosomal Recessive Polycystic Kidney Disease – PKHD1; POLYCYSTIC KIDNEY DISEASE 4 WITH OR WITHOUT POLYCYSTIC LIVER DISEASE; POLYCYSTIC KIDNEY AND HEPATIC DISEASE 1; POLYCYSTIC KIDNEY DISEASE, INFANTILE, TYPE I; PKD3. Identifiers: MedGen C4540575, MONDO:0033004, OMIM 263200.
Autosomal dominant polycystic liver disease. Also called: Polycystic liver disease; Congenital cystic disease of liver. Identifiers: Orphanet 2924, MedGen C0158683, MONDO:0000447, HP:0006557.
Autosomal recessive polycystic kidney disease (ARPKD). Also called: AR polycystic kidney disease. Identifiers: Orphanet 731, Orphanet 8378, MedGen C0085548, MeSH D017044, MONDO:0009889.

Allele frequency attached by ClinVar (database versions not stated): TOPMed 0.00004; gnomAD 0.00063 and 0.00066.
gnomAD v4.1: 440 of 1,614,018 alleles (0.027%); highest among the groups gnomAD compares: African/African-American, 0.0093%; no homozygotes.

Submissions (14):

PreventionGenetics, part of Exact Sciences
Classification: Pathogenic for PKHD1-related condition. Last evaluated: 2026-08-04. Review status: criteria provided, single submitter. Criteria: ACMG Guidelines, 2015. Collection method: clinical testing. Allele origin: germline.
Comment: The PKHD1 c.1486C>T variant is predicted to result in premature protein termination (p.Arg496*). This variant has been reported to be pathogenic for autosomal recessive polycystic kidney disease (ARPKD) (see for example, Bergmann et al. 2003. PubMed ID: 12506140; Ishiko et al. 2021. PubMed ID: 34536170). This variant is reported in 0.68% of alleles in individuals of European (Finnish) descent in gnomAD. Nonsense variants in PKHD1 are expected to be pathogenic. This variant is interpreted as pathogenic.

Natera, Inc.
Classification: Pathogenic for Autosomal recessive polycystic kidney disease. Last evaluated: 2025-12-16. Review status: criteria provided, single submitter. Criteria: Natera Variant Classification Schema (03/2026). Collection method: clinical testing. Allele origin: germline.
Comment: The c.1486C>T variant in PKHD1 is a nonsense variant predicted to introduce a stop codon at amino acid 496. This variant is expected to result in nonsense mediated decay, truncation, or a dysfunctional protein product. This variant is rare in the general population with a frequency below the threshold expected for the associated phenotype(s). This variant has been observed in one or more individuals affected with the associated recessive disease, as either homozygous or compound heterozygous with a second variant (PMID: 34536170). Given the available evidence, this variant is classified as Pathogenic.

CeGaT Center for Human Genetics Tuebingen
Classification: Pathogenic. Last evaluated: 2024-11-01. Review status: criteria provided, single submitter. Criteria: CeGaT Center For Human Genetics Tuebingen Variant Classification Criteria Version 2. Collection method: clinical testing. Allele origin: germline. Affected: yes. Observed: 8 variant alleles.
Comment: PKHD1: PM3:Very Strong, PVS1, PM2

Blueprint Genetics
Classification: Pathogenic for PKHD1-related disorders. Last evaluated: 2024-10-28. Review status: criteria provided, single submitter. Criteria: ACMG Guidelines, 2015. Collection method: clinical testing. Allele origin: germline. Affected: yes. Observed: 5 variant alleles.

Fulgent Genetics
Classification: Pathogenic for Polycystic kidney disease 4. Last evaluated: 2024-03-15. Review status: criteria provided, single submitter. Criteria: ACMG Guidelines, 2015. Collection method: clinical testing. Allele origin: germline.

Labcorp Genetics (formerly Invitae), Labcorp
Classification: Pathogenic for Autosomal recessive polycystic kidney disease. Last evaluated: 2024-02-06. Review status: criteria provided, single submitter. Criteria: Invitae Variant Classification Sherloc (09022015). Collection method: clinical testing. Allele origin: germline.
Comment: This sequence change creates a premature translational stop signal (p.Arg496*) in the PKHD1 gene. It is expected to result in an absent or disrupted protein product. Loss-of-function variants in PKHD1 are known to be pathogenic (PMID: 19940839). This variant is present in population databases (rs137852949, gnomAD 0.7%), and has an allele count higher than expected for a pathogenic variant. This premature translational stop signal has been observed in individuals with autosomal recessive polycystic kidney disease (PMID: 12506140, 19914852, 22415584, 27225849). It is commonly reported in individuals of Finnish ancestry (PMID: 12506140). ClinVar contains an entry for this variant (Variation ID: 4114). For these reasons, this variant has been classified as Pathogenic.

GeneDx
Classification: Pathogenic. Last evaluated: 2021-03-19. Review status: criteria provided, single submitter. Criteria: GeneDx Variant Classification Process June 2021. Collection method: clinical testing. Allele origin: germline. Affected: yes.
Comment: Observed multiple times with a pathogenic variant in published literature and in a patient referred for genetic testing at GeneDx, but it is not known whether the variants occurred on the same (in cis) or on different (in trans) chromosomes in all cases (Gunay-Aygun et al., 2010); Reported heterozygous in a patient with polycystic liver disease (Besse et al., 2017); Nonsense variant predicted to result in protein truncation or nonsense mediated decay in a gene for which loss-of-function is a known mechanism of disease; This variant is associated with the following publications: (PMID: 22415584, 25525159, 12506140, 28375157, 15698423, 15200508, 20413436, 33123899)

Myriad Genetics, Inc.
Classification: Pathogenic for Polycystic kidney disease 4. Last evaluated: 2019-11-11. Review status: criteria provided, single submitter. Criteria: Myriad Women's Health Autosomal Recessive and X-Linked Classification Criteria (2019). Collection method: clinical testing. Allele origin: unknown.
Comment: NM_138694.3(PKHD1):c.1486C>T(R496*) is classified as pathogenic in the context of PKHD1-related autosomal recessive polycystic kidney disease. Sources cited for classification include the following: PMID 12506140 and 15698423. Classification of NM_138694.3(PKHD1):c.1486C>T(R496*) is based on the following criteria: The variant causes a premature termination codon that is expected to be targeted by nonsense-mediated mRNA decay and is reported in individuals with the relevant phenotype. Please note: this variant was assessed in the context of healthy population screening.

Women's Health and Genetics/Laboratory Corporation of America, LabCorp
Classification: Pathogenic for Autosomal recessive polycystic kidney disease. Last evaluated: 2016-08-25. Review status: criteria provided, single submitter. Criteria: LabCorp Variant Classification Summary - May 2015. Collection method: clinical testing. Allele origin: germline.
Comment: Variant summary: The PKHD1 c.1486C>T (p.Arg496X) variant results in a premature termination codon, predicted to cause a truncated or absent PKHD1 protein due to nonsense mediated decay, which are commonly known mechanisms for disease. Truncations downstream of this position have been classified as pathogenic by our laboratory (e.g.c.9319C>T/p.Arg3107X). One in silico tool predicts a damaging outcome for this variant. This variant was found in 69/121402 control chromosomes at a frequency of 0.0005684, which does not exceed the estimated maximal expected allele frequency of a pathogenic PKHD1 variant (0.0070711). Variant was primarily detected in Finnish European population in both controls and cases, and it was reported as a founder mutation for Finnish population. In addition, multiple reputable databases classified this variant as pathogenic. Taken together, this variant is classified as pathogenic.

Eurofins Ntd Llc (ga)
Classification: Pathogenic. Last evaluated: 2015-09-19. Review status: criteria provided, single submitter. Criteria: EGL Classification Definitions 2015. Collection method: clinical testing. Allele origin: germline. Observed: 1 variant allele, 1 heterozygote.

Baylor Genetics
Classification: Pathogenic for Polycystic kidney disease 4. Review status: criteria provided, single submitter. Criteria: ACMG Guidelines, 2015. Collection method: clinical testing. Allele origin: germline.

Reproductive Health Research and Development, BGI Genomics
Classification: Pathogenic for Autosomal recessive polycystic kidney disease. Last evaluated: 2020-01-06. Review status: no assertion criteria provided. Collection method: curation. Allele origin: germline. Not counted in ClinVar's aggregate classification.
Comment: NM_138694.3:c.1486C>T in the PKHD1 gene has an allele frequency of 0.007 in European (Finnish) subpopulation in the gnomAD database. The PKHD1 c.1486C>T (p.Arg496*) variant results in a premature termination codon, predicted to cause a truncated or absent PKHD1 protein due to nonsense mediated decay, which are commonly known mechanisms for disease. This variant has been reported in patients with autosomal recessive polycystic kidney disease, including six homozygotes, five compound heterozygotes (with V3471G and D2761Y) (PMID: 12506140; 15698423). Taken together, we interprete this variant as Pathogenic/Likely pathogenic variant. ACMG/AMP Criteria applied: PVS1; PM3_Strong, PP4.

Yale Center for Mendelian Genomics, Yale University
Classification: Likely pathogenic for Autosomal dominant polycystic liver disease. Last evaluated: 2017-04-04. Review status: no assertion criteria provided. Collection method: literature only. Allele origin: germline. Affected: yes. Observed: 1 heterozygote. Not counted in ClinVar's aggregate classification.

OMIM
Classification: Pathogenic for POLYCYSTIC KIDNEY DISEASE 4. Last evaluated: 2003-01-01. Review status: no assertion criteria provided. Collection method: literature only. Allele origin: germline. Not counted in ClinVar's aggregate classification.

Literature cited by the submitters: PubMed 34536170 (cited by Natera, Inc.); PubMed 19940839 (cited by Labcorp Genetics (formerly Invitae), Labcorp); PubMed 12506140 (cited by 4 submitters); PubMed 19914852 (cited by Labcorp Genetics (formerly Invitae), Labcorp); PubMed 22415584 (cited by Labcorp Genetics (formerly Invitae), Labcorp); PubMed 27225849 (cited by Labcorp Genetics (formerly Invitae), Labcorp); PubMed 15698423 (cited by Myriad Genetics, Inc.); PubMed 20413436 (cited by Women's Health and Genetics/Laboratory Corporation of America, LabCorp); PubMed 28375157 (cited by Yale Center for Mendelian Genomics, Yale University).

NM_138694.4(PKHD1):c.1486C>T (p.Arg496Ter)

Gene: PKHD1 (PKHD1 ciliary IPT domain containing fibrocystin/polyductin; minus strand). Cytogenetic location: 6p12.2.
Variant type: single nucleotide variant.
Coding change: c.1486C>T on transcript NM_138694.4 (MANE Select); coding-DNA position 1486, C replaced by T.
Protein change: p.Arg496Ter; replaces arginine 496 with a stop codon.
Molecular consequence: nonsense.
Genome position (GRCh38, 1-based): chr6:52,058,349, G>A on the plus strand (C>T on the coding strand, the complement: PKHD1 is on the minus strand). VCF-style: chr6-52058349-G-A. GRCh37 (hg19) VCF-style: chr6-51923147-G-A.
Other names: c.1486C>T (NM_170724.2); c.1486C>T, p.Arg496Ter (NM_170724.3); short protein forms R496*.
Identifiers: ClinVar variation 4114 (VCV000004114.75), dbSNP rs137852949, ClinGen allele CA253014.